The following is an entry in ClinVar:

NM_001843.4(CNTN1):c.94+2T>C

Gene: CNTN1 (contactin 1; plus strand). Cytogenetic location: 12q12.
Variant type: single nucleotide variant.
Coding change: c.94+2T>C on transcript NM_001843.4 (MANE Select); the canonical splice donor site of the intron after coding-DNA position 94, T replaced by C.
Molecular consequence: splice donor variant. On other transcripts: intron variant (1).
Genome position (GRCh38, 1-based): chr12:40,910,107, T>C. VCF-style: chr12-40910107-T-C. GRCh37 (hg19) VCF-style: chr12-41303909-T-C.
Other names: c.94+2T>C (NM_001256063.2, NM_001256064.2); c.61+1614T>C (NM_175038.2).
Identifiers: ClinVar variation 2875068 (VCV002875068.3), dbSNP rs2499292213, ClinGen allele CA384421508.

ClinVar aggregate classification (germline): Likely pathogenic (1 of 4 stars; one submission).

Conditions:
Compton-North congenital myopathy (CMYO12). Identifiers: Orphanet 210163, MedGen C2675527, MONDO:0012929, OMIM 612540.

Allele frequency attached by ClinVar (database versions not stated): gnomAD exomes below 0.00001.
gnomAD v4.1: 2 of 1,604,142 alleles (0.00012%); highest among the groups gnomAD compares: Non-Finnish European, 0.000085%; no homozygotes.

Submission:

Labcorp Genetics (formerly Invitae), Labcorp
Classification: Likely pathogenic for Compton-North congenital myopathy. Last evaluated: 2024-01-11. Review status: criteria provided, single submitter. Criteria: Invitae Variant Classification Sherloc (09022015). Collection method: clinical testing. Allele origin: germline.
Comment: This sequence change affects a donor splice site in intron 3 of the CNTN1 gene. It is expected to disrupt RNA splicing. Variants that disrupt the donor or acceptor splice site typically lead to a loss of protein function (PMID: 16199547), and loss-of-function variants in CNTN1 are known to be pathogenic (PMID: 19026398, 22242131). This variant is not present in population databases (gnomAD no frequency). This variant has not been reported in the literature in individuals affected with CNTN1-related conditions. Algorithms developed to predict the effect of sequence changes on RNA splicing suggest that this variant may disrupt the consensus splice site. In summary, the currently available evidence indicates that the variant is pathogenic, but additional data are needed to prove that conclusively. Therefore, this variant has been classified as Likely Pathogenic.

Literature cited by the submitters: PubMed 16199547; PubMed 19026398; PubMed 22242131.